The following is an entry in ClinVar:

NM_001098816.3(TENM4):c.2751T>C (p.Asp917=)

Gene: TENM4 (teneurin transmembrane protein 4; minus strand). Cytogenetic location: 11q14.1.
Variant type: single nucleotide variant.
Coding change: c.2751T>C on transcript NM_001098816.3 (MANE Select); coding-DNA position 2751, T replaced by C.
Protein change: p.Asp917=; no amino-acid change (aspartic acid 917 retained).
Molecular consequence: synonymous variant.
Genome position (GRCh38, 1-based): chr11:78,756,810, A>G on the plus strand (T>C on the coding strand, the complement: TENM4 is on the minus strand). VCF-style: chr11-78756810-A-G. GRCh37 (hg19) VCF-style: chr11-78467855-A-G.
Identifiers: ClinVar variation 3033035 (VCV003033035.2), dbSNP rs564607395, ClinGen allele CA6207223.

ClinVar aggregate classification (germline): Likely benign (0 of 4 stars; one submission).

Conditions:
TENM4-related disorder. Also called: TENM4-related condition.

Allele frequency attached by ClinVar (database versions not stated): gnomAD 0.00007; TOPMed 0.00009; ExAC 0.00016.
gnomAD v4.1: 124 of 1,612,874 alleles (0.0077%); highest among the groups gnomAD compares: Admixed American, 0.01%; no homozygotes.

Submission:

PreventionGenetics, part of Exact Sciences
Classification: Likely benign for TENM4-related condition. Last evaluated: 2022-08-03. Review status: no assertion criteria provided. Collection method: clinical testing. Allele origin: germline.
Comment: This variant is classified as likely benign based on ACMG/AMP sequence variant interpretation guidelines (Richards et al. 2015 PMID: 25741868, with internal and published modifications).